The following is an entry in ClinVar:

ClinVar aggregate classification (germline): Benign/Likely benign. Review status: criteria provided, multiple submitters, no conflicts (2 of 4 stars). 6 submissions from 6 submitters: Benign (1); Likely benign (4). 1 of the submissions does not count toward it. Last evaluated 2025-12-22.

Conditions:
CARD9-related disorder. Also called: CARD9-related condition.
Predisposition to invasive fungal disease due to CARD9 deficiency (IMD103). Also called: IMMUNODEFICIENCY 103, SUSCEPTIBILITY TO FUNGAL INFECTIONS; Candidiasis, familial, 2, autosomal recessive; CARD9 IMMUNODEFICIENCY. Identifiers: Orphanet 457088, MedGen C1859353, MONDO:0008905, OMIM 212050.

Allele frequency attached by ClinVar (database versions not stated): gnomAD exomes 0.00018 and 0.00033; ExAC 0.00047; 1000 Genomes Project 30x 0.00094; 1000 Genomes Project 0.00120; gnomAD 0.00147 and 0.00158; ESP Exome Variant Server 0.00154; TOPMed 0.00168.
gnomAD v4.1: 514 of 1,612,136 alleles (0.032%); highest among the groups gnomAD compares: African/African-American, 0.53%; 3 homozygotes.

Submissions (6):

Labcorp Genetics (formerly Invitae), Labcorp
Classification: Benign for Predisposition to invasive fungal disease due to CARD9 deficiency. Last evaluated: 2025-12-22. Review status: criteria provided, single submitter. Criteria: Invitae Variant Classification Sherloc (09022015). Collection method: clinical testing. Allele origin: germline.

Blueprint Genetics
Classification: Likely benign. Last evaluated: 2024-11-27. Review status: criteria provided, single submitter. Criteria: ACMG Guidelines, 2015. Collection method: clinical testing. Allele origin: germline.

CeGaT Center for Human Genetics Tuebingen
Classification: Likely benign. Last evaluated: 2024-10-01. Review status: criteria provided, single submitter. Criteria: CeGaT Center For Human Genetics Tuebingen Variant Classification Criteria Version 2. Collection method: clinical testing. Allele origin: germline. Affected: yes. Observed: 1 variant allele.
Comment: CARD9: BP4, BP7

Illumina Laboratory Services, Illumina
Classification: Likely benign for Predisposition to invasive fungal disease due to CARD9 deficiency. Last evaluated: 2018-01-12. Review status: criteria provided, single submitter. Criteria: ICSL Variant Classification Criteria 13 December 2019. Collection method: clinical testing. Allele origin: germline.
Comment: This variant was observed in the ICSL laboratory as part of a predisposition screen in an ostensibly healthy population. It had not been previously curated by ICSL or reported in the Human Gene Mutation Database (HGMD: prior to June 1st, 2018), and was therefore a candidate for classification through an automated scoring system. Utilizing variant allele frequency, disease prevalence and penetrance estimates, and inheritance mode, an automated score was calculated to assess if this variant is too frequent to cause the disease. Based on the score and internal cut-off values, a variant classified as likely benign is not then subjected to further curation. The score for this variant resulted in a classification of likely benign for this disease.

Breakthrough Genomics
Classification: Likely benign. Review status: criteria provided, single submitter. Criteria: ACMG Guidelines, 2015. Collection method: not provided. Allele origin: germline. Inheritance: Autosomal recessive inheritance. Affected: yes.

PreventionGenetics, part of Exact Sciences
Classification: Likely benign for CARD9-related condition. Last evaluated: 2019-02-27. Review status: no assertion criteria provided. Collection method: clinical testing. Allele origin: germline. Not counted in ClinVar's aggregate classification.
Comment: This variant is classified as likely benign based on ACMG/AMP sequence variant interpretation guidelines (Richards et al. 2015 PMID: 25741868, with internal and published modifications).

NM_052813.5(CARD9):c.324C>T (p.Asp108=)

Gene: CARD9 (caspase recruitment domain family member 9; minus strand). Cytogenetic location: 9q34.3.
Variant type: single nucleotide variant.
Coding change: c.324C>T on transcript NM_052813.5 (MANE Select); coding-DNA position 324, C replaced by T.
Protein change: p.Asp108=; no amino-acid change (aspartic acid 108 retained).
Molecular consequence: synonymous variant.
Genome position (GRCh38, 1-based): chr9:136,371,144, G>A on the plus strand (C>T on the coding strand, the complement: CARD9 is on the minus strand). VCF-style: chr9-136371144-G-A. GRCh37 (hg19) VCF-style: chr9-139265596-G-A.
Other names: c.324C>T, p.Asp108= (NM_052814.4).
Identifiers: ClinVar variation 365852 (VCV000365852.32), dbSNP rs34971035, ClinGen allele CA5333158.